The following is an entry in ClinVar:

ClinVar aggregate classification (germline): Conflicting classifications of pathogenicity. Review status: criteria provided, conflicting classifications (1 of 4 stars). 6 submissions from 6 submitters: Uncertain significance (3); Likely benign (3). Last evaluated 2026-01-01.

Conditions:
TTN-related disorder. Also called: TTN-related condition; TTN-related disease; TTN-related disorders.
Cardiovascular phenotype. Identifiers: MedGen CN230736.
Autosomal recessive limb-girdle muscular dystrophy type 2J (LGMDR10). Also called: MUSCULAR DYSTROPHY, LIMB-GIRDLE, AUTOSOMAL RECESSIVE 10; Limb-girdle muscular dystrophy, type 2J. Identifiers: Orphanet 140922, MedGen C1837342, MONDO:0012127, OMIM 608807.
Dilated cardiomyopathy 1G (CMD1G). Identifiers: Orphanet 154, MedGen C1858763, MONDO:0011400, OMIM 604145.

Allele frequency attached by ClinVar (database versions not stated): gnomAD 0.00001; gnomAD exomes 0.00003; TOPMed 0.00003; ExAC 0.00004.
gnomAD v4.1: 55 of 1,612,184 alleles (0.0034%); highest among the groups gnomAD compares: East Asian, 0.0045%; no homozygotes.

Submissions (6):

Labcorp Genetics (formerly Invitae), Labcorp
Classification: Uncertain significance for Dilated cardiomyopathy 1G; Autosomal recessive limb-girdle muscular dystrophy type 2J. Last evaluated: 2026-01-01. Review status: criteria provided, single submitter. Criteria: Invitae Variant Classification Sherloc (09022015). Collection method: clinical testing. Allele origin: germline.
Comment: This sequence change replaces arginine, which is basic and polar, with cysteine, which is neutral and slightly polar, at codon 23790 of the TTN protein (p.Arg23790Cys). This variant is present in population databases (rs775743818, gnomAD 0.01%). This missense change has been observed in individual(s) with congenital myopathy (PMID: 25214167). ClinVar contains an entry for this variant (Variation ID: 264186). Experimental studies and prediction algorithms are not available or were not evaluated, and the functional significance of this variant is currently unknown. This variant is located in the A band of TTN (PMID: 25589632). Variants in this region may be relevant for cardiac or neuromuscular disorders (PMID: 25589632, 23975875). In summary, the available evidence is currently insufficient to determine the role of this variant in disease. Therefore, it has been classified as a Variant of Uncertain Significance.

PreventionGenetics, part of Exact Sciences
Classification: Uncertain significance for TTN-related condition. Last evaluated: 2025-10-29. Review status: criteria provided, single submitter. Criteria: ACMG Guidelines, 2015. Collection method: clinical testing. Allele origin: germline.
Comment: The TTN c.71368C>T variant is predicted to result in the amino acid substitution p.Arg23790Cys. This variant has been reported as uncertain in an individual with congenital myopathy (Savarese et al. 2014. PubMed ID: 25214167). This variant is reported in 0.010% of alleles in individuals of East Asian descent in gnomAD and has conflicting interpretations regarding its pathogenicity in ClinVar, ranging from likely benign to uncertain (Variation ID: 264186). At this time, the clinical significance of this variant is uncertain due to the absence of conclusive functional and genetic evidence.

Molecular Diagnostic Laboratory for Inherited Cardiovascular Disease, Montreal Heart Institute
Classification: Likely benign. Last evaluated: 2025-04-09. Review status: criteria provided, single submitter. Criteria: ACMG Guidelines, 2015. Collection method: clinical testing. Allele origin: germline. Affected: no.

Revvity Omics, Revvity
Classification: Uncertain significance. Last evaluated: 2025-03-13. Review status: criteria provided, single submitter. Criteria: ACMG Guidelines, 2015. Collection method: clinical testing. Allele origin: germline.

GeneDx
Classification: Likely benign. Last evaluated: 2020-04-02. Review status: criteria provided, single submitter. Criteria: GeneDx Variant Classification Process June 2021. Collection method: clinical testing. Allele origin: germline. Affected: yes.

Ambry Genetics
Classification: Likely benign for Cardiovascular phenotype. Last evaluated: 2019-05-28. Review status: criteria provided, single submitter. Criteria: Ambry Variant Classification Scheme 2023. Collection method: clinical testing. Allele origin: germline.

Literature cited by the submitters: PubMed 25214167 (cited by Labcorp Genetics (formerly Invitae), Labcorp); PubMed 25589632 (cited by Labcorp Genetics (formerly Invitae), Labcorp); PubMed 23975875 (cited by Labcorp Genetics (formerly Invitae), Labcorp).

NM_001267550.2(TTN):c.71368C>T (p.Arg23790Cys)

Genes: TTN (titin; minus strand), TTN-AS1 (TTN antisense RNA 1; plus strand). Cytogenetic location: 2q31.2.
Variant type: single nucleotide variant.
Coding change: c.71368C>T on transcript NM_001267550.2 (MANE Select); coding-DNA position 71368, C replaced by T.
Protein change: p.Arg23790Cys; replaces arginine 23790 with cysteine.
Molecular consequence: missense variant.
Genome position (GRCh38, 1-based): chr2:178,574,764, G>A on the plus strand (C>T on the coding strand, the complement: TTN is on the minus strand). VCF-style: chr2-178574764-G-A. GRCh37 (hg19) VCF-style: chr2-179439491-G-A.
Other names: c.66445C>T, p.Arg22149Cys (NM_001256850.1); c.44173C>T, p.Arg14725Cys (NM_003319.4); c.63664C>T, p.Arg21222Cys (NM_133378.4); c.44548C>T, p.Arg14850Cys (NM_133432.3); c.44749C>T, p.Arg14917Cys (NM_133437.4); short protein forms R14725C, R23790C, R21222C, R14850C, R14917C, R22149C.
Identifiers: ClinVar variation 264186 (VCV000264186.19), dbSNP rs775743818, ClinGen allele CA1990635.